The following is an entry in ClinVar:

ClinVar aggregate classification (germline): Likely benign (1 of 4 stars; one submission).

Conditions:
SCAPER-related disorder. Also called: SCAPER-related condition.

gnomAD v4.1: 8 of 1,592,088 alleles (0.0005%); highest among the groups gnomAD compares: African/African-American, 0.011%; no homozygotes.

Submission:

PreventionGenetics, part of Exact Sciences
Classification: Likely benign for SCAPER-related condition. Last evaluated: 2025-09-03. Review status: criteria provided, single submitter. Criteria: ACMG Guidelines, 2015. Collection method: clinical testing. Allele origin: germline.
Comment: This variant is classified as likely benign based on ACMG/AMP sequence variant interpretation guidelines (Richards et al. 2015 PMID: 25741868, with internal and published modifications).

NM_020843.4(SCAPER):c.2954+7A>G

Gene: SCAPER (S-phase cyclin A associated protein in the ER; minus strand). Cytogenetic location: 15q24.3.
Variant type: single nucleotide variant.
Coding change: c.2954+7A>G on transcript NM_020843.4 (MANE Select); 7 bases into the intron after coding-DNA position 2954, A replaced by G.
Molecular consequence: intron variant.
Genome position (GRCh38, 1-based): chr15:76,504,852, T>C on the plus strand (A>G on the coding strand, the complement: SCAPER is on the minus strand). VCF-style: chr15-76504852-T-C. GRCh37 (hg19) VCF-style: chr15-76797193-T-C.
Other names: c.2570+7A>G (NM_001353011.2); c.2552+7A>G (NM_001353012.2, NM_001353010.2); c.2972+7A>G (NM_001353009.2); c.2216+7A>G (NM_001145923.2).
Identifiers: ClinVar variation 4980460 (VCV004980460.1).